The following is an entry in ClinVar:

NM_001267550.2(TTN):c.80521dup (p.Thr26841fs)

Genes: TTN (titin; minus strand), TTN-AS1 (TTN antisense RNA 1; plus strand). Cytogenetic location: 2q31.2.
Variant type: Duplication.
Coding change: c.80521dup on transcript NM_001267550.2 (MANE Select); coding-DNA position 80521, one base duplicated (A; older notation c.80521dupA).
Protein change: p.Thr26841fs; shifts the reading frame from threonine 26841.
Molecular consequence: frameshift variant.
Genome position (GRCh38, 1-based): chr2:178,565,611, T duplicated on the plus strand (A on the coding strand, the reverse complement: TTN is on the minus strand). VCF-style (leftmost placement, unchanged base first): chr2-178565610-G-GT. GRCh37 (hg19) VCF-style: chr2-179430337-G-GT.
Other names: c.53326dupA (NM_003319.4); c.75598dup, p.Thr25200fs (NM_001256850.1); c.53326dup, p.Thr17776fs (NM_003319.4); c.72817dup, p.Thr24273fs (NM_133378.4); c.53701dup, p.Thr17901fs (NM_133432.3); c.53902dup, p.Thr17968fs (NM_133437.4); short protein forms T17776fs, T17901fs, T17968fs, T24273fs, T26841fs, T25200fs.
Identifiers: ClinVar variation 4827047 (VCV004827047.1).
Genomic context (GRCh38, chr2:178,565,610, plus strand): 5'-TTTCCTTTCTCATTATAAGCCTTGACACGGAACTGATATTCTTGTCCAGAACTCAAACCA[G>GT]TAACAACTGCATTACAGACTTTGGATTCAGCCACAATGCTCCATTTTTCAGTTCCTTTGG-3'

ClinVar aggregate classification (germline): Likely pathogenic (1 of 4 stars; one submission).

Conditions:
Cardiovascular phenotype. Identifiers: MedGen CN230736.

Submission:

Ambry Genetics
Classification: Likely pathogenic for Cardiovascular phenotype. Last evaluated: 2026-03-06. Review status: criteria provided, single submitter. Criteria: Ambry Variant Classification Scheme 2023. Collection method: clinical testing. Allele origin: germline.
Comment: The c.53326dupA variant, located in coding exon 153 of the TTN gene, results from a duplication of A at nucleotide position 53326, causing a translational frameshift with a predicted alternate stop codon (p.T17776Nfs*17). This exon is located in the A-band region of the N2-B isoform of the titin protein and is constitutively expressed in TTN transcripts (percent spliced in or PSI 100%). This variant was reported in individual(s) with features consistent with dilated cardiomyopathy (Ambry internal data). This variant is considered to be rare based on population cohorts in the Genome Aggregation Database (gnomAD). This variant is expected to result in loss of function by premature protein truncation or nonsense-mediated mRNA decay. While truncating variants in TTN are present in 1-3% of the general population, truncating variants in the A-band are the most common cause of dilated cardiomyopathy (Herman DS et al. N. Engl. J. Med., 2012 Feb;366:619-28; Roberts AM et al. Sci Transl Med, 2015 Jan;7:270ra6). TTN truncating variants encoded in constitutive exons (PSI >90%) have been found to be significantly associated with DCM regardless of their position in titin (Schafer S et al. Nat. Genet., 2017 01;49:46-53; Akhtar MM et al. Circ Heart Fail, 2020 Oct;13:e006832; Massier M et al. Clin Genet, 2025 Jan). Based on the majority of available evidence to date, this variant is likely to be pathogenic.